The following is an entry in ClinVar:

NM_001130144.3(LTBP3):c.3692G>T (p.Arg1231Leu)

Gene: LTBP3 (latent transforming growth factor beta binding protein 3; minus strand). Cytogenetic location: 11q13.1.
Variant type: single nucleotide variant.
Coding change: c.3692G>T on transcript NM_001130144.3 (MANE Select); coding-DNA position 3692, G replaced by T.
Protein change: p.Arg1231Leu; replaces arginine 1231 with leucine.
Molecular consequence: missense variant.
Genome position (GRCh38, 1-based): chr11:65,539,396, C>A on the plus strand (G>T on the coding strand, the complement: LTBP3 is on the minus strand). VCF-style: chr11-65539396-C-A. GRCh37 (hg19) VCF-style: chr11-65306867-C-A.
Other names: c.3200G>T, p.Arg1067Leu (NM_001164266.1); c.3551G>T, p.Arg1184Leu (NM_021070.4); short protein forms R1067L, R1184L, R1231L.
Identifiers: ClinVar variation 2562668 (VCV002562668.2), dbSNP rs1247009278, ClinGen allele CA381266294.

ClinVar aggregate classification (germline): Uncertain significance (1 of 4 stars; one submission).

Conditions:
Inborn genetic diseases. Identifiers: MedGen C0950123, MeSH D030342.

Submission:

Ambry Genetics
Classification: Uncertain significance for Inborn genetic diseases. Last evaluated: 2023-05-29. Review status: criteria provided, single submitter. Criteria: Ambry Variant Classification Scheme 2023. Collection method: clinical testing. Allele origin: germline.
Comment: The p.R1231L variant (also known as c.3692G>T), located in coding exon 27 of the LTBP3 gene, results from a G to T substitution at nucleotide position 3692. The arginine at codon 1231 is replaced by leucine, an amino acid with dissimilar properties. This amino acid position is conserved. In addition, this alteration is predicted to be tolerated by in silico analysis. Since supporting evidence is limited at this time, the clinical significance of this alteration remains unclear.